The following is an entry in ClinVar:

ClinVar aggregate classification (germline): Uncertain significance. Review status: criteria provided, multiple submitters, no conflicts (2 of 4 stars). 2 submissions from 2 submitters: Uncertain significance (2). Last evaluated 2024-09-09.

Conditions:
Inborn genetic diseases. Identifiers: MedGen C0950123, MeSH D030342.
Symmetrical dyschromatosis of extremities (DSH). Also called: RETICULATE ACROPIGMENTATION OF DOHI; SYMMETRIC DYSCHROMATOSIS OF THE EXTREMITIES; Dyschromatosis symmetrica hereditaria; DYSCHROMATOSIS SYMMETRICA HEREDITARIA 1. Identifiers: Orphanet 41, MedGen C0406775, MONDO:0007483, OMIM 127400.
Aicardi-Goutieres syndrome 6 (AGS6). Identifiers: Orphanet 51, MedGen C3539013, MONDO:0014007, OMIM 615010.

Submissions (2):

Ambry Genetics
Classification: Uncertain significance for Inborn genetic diseases. Last evaluated: 2024-09-09. Review status: criteria provided, single submitter. Criteria: Ambry Variant Classification Scheme 2023. Collection method: clinical testing. Allele origin: germline.

Labcorp Genetics (formerly Invitae), Labcorp
Classification: Uncertain significance for Aicardi-Goutieres syndrome 6; Symmetrical dyschromatosis of extremities. Last evaluated: 2024-09-03. Review status: criteria provided, single submitter. Criteria: Invitae Variant Classification Sherloc (09022015). Collection method: clinical testing. Allele origin: germline.
Comment: This sequence change replaces glutamic acid, which is acidic and polar, with aspartic acid, which is acidic and polar, at codon 132 of the ADAR protein (p.Glu132Asp). This variant is not present in population databases (gnomAD no frequency). This variant has not been reported in the literature in individuals affected with ADAR-related conditions. An algorithm developed to predict the effect of missense changes on protein structure and function outputs the following: PolyPhen-2: "Benign". The aspartic acid amino acid residue is found in multiple mammalian species, which suggests that this missense change does not adversely affect protein function. In summary, the available evidence is currently insufficient to determine the role of this variant in disease. Therefore, it has been classified as a Variant of Uncertain Significance.

NM_001111.5(ADAR):c.396A>T (p.Glu132Asp)

Gene: ADAR (adenosine deaminase RNA specific; minus strand). Cytogenetic location: 1q21.3.
Variant type: single nucleotide variant.
Coding change: c.396A>T on transcript NM_001111.5 (MANE Select); coding-DNA position 396, A replaced by T.
Protein change: p.Glu132Asp; replaces glutamic acid 132 with aspartic acid.
Molecular consequence: missense variant. On other transcripts: 5 prime UTR variant (6).
Genome position (GRCh38, 1-based): chr1:154,602,246, T>A on the plus strand (A>T on the coding strand, the complement: ADAR is on the minus strand). VCF-style: chr1-154602246-T-A. GRCh37 (hg19) VCF-style: chr1-154574722-T-A.
Other names: c.-490A>T (NM_001025107.3, NM_001193495.2, NM_001365046.1 and 3 more transcripts); c.423A>T, p.Glu141Asp (NM_001365045.1); c.396A>T, p.Glu132Asp (NM_015840.4, NM_015841.4); short protein forms E132D, E141D.
Identifiers: ClinVar variation 3493330 (VCV003493330.3).